The following is an entry in ClinVar:

ClinVar aggregate classification (germline): Uncertain significance. Review status: criteria provided, multiple submitters, no conflicts (2 of 4 stars). 3 submissions from 3 submitters: Uncertain significance (3). Last evaluated 2024-07-24.

Conditions:
Hereditary breast ovarian cancer syndrome. Also called: Hereditary breast and ovarian cancer; Hereditary breast and ovarian cancer syndrome (HBOC); Breast and ovarian cancer; Hereditary breast and ovarian cancer syndrome; BRCA1- and BRCA2-Associated Hereditary Breast and Ovarian Cancer; Hereditary breast and/or ovarian cancer syndrome. Identifiers: Orphanet 145, MedGen C0677776, MeSH D061325, MONDO:0003582. Disease mechanism: loss of function.
Hereditary cancer-predisposing syndrome. Also called: Tumor predisposition; Neoplastic Syndromes, Hereditary; Hereditary neoplastic syndrome; Hereditary Cancer Syndrome. Identifiers: Orphanet 140162, MedGen C0027672, MeSH D009386, MONDO:0015356.

Allele frequency attached by ClinVar (database versions not stated): TOPMed 0.00001.

Submissions (3):

Ambry Genetics
Classification: Uncertain significance for Hereditary cancer-predisposing syndrome. Last evaluated: 2024-07-24. Review status: criteria provided, single submitter. Criteria: Ambry Variant Classification Scheme 2023. Collection method: clinical testing. Allele origin: germline.
Comment: The p.Q3227E variant (also known as c.9679C>G), located in coding exon 26 of the BRCA2 gene, results from a C to G substitution at nucleotide position 9679. The glutamine at codon 3227 is replaced by glutamic acid, an amino acid with highly similar properties. This amino acid position is not well conserved in available vertebrate species. In addition, this alteration is predicted to be tolerated by in silico analysis. Based on the available evidence, the clinical significance of this variant remains unclear.

Labcorp Genetics (formerly Invitae), Labcorp
Classification: Uncertain significance for Hereditary breast ovarian cancer syndrome. Last evaluated: 2022-05-13. Review status: criteria provided, single submitter. Criteria: Invitae Variant Classification Sherloc (09022015). Collection method: clinical testing. Allele origin: germline.
Comment: This sequence change replaces glutamine, which is neutral and polar, with glutamic acid, which is acidic and polar, at codon 3227 of the BRCA2 protein (p.Gln3227Glu). This variant is not present in population databases (gnomAD no frequency). This missense change has been observed in individual(s) with esophageal cancer (PMID: 17724471). This variant is also known as 9907C>G. ClinVar contains an entry for this variant (Variation ID: 630879). Advanced modeling of protein sequence and biophysical properties (such as structural, functional, and spatial information, amino acid conservation, physicochemical variation, residue mobility, and thermodynamic stability) performed at Invitae indicates that this missense variant is not expected to disrupt BRCA2 protein function. In summary, the available evidence is currently insufficient to determine the role of this variant in disease. Therefore, it has been classified as a Variant of Uncertain Significance.

Color Diagnostics, LLC DBA Color Health
Classification: Uncertain significance for Hereditary cancer-predisposing syndrome. Last evaluated: 2019-06-05. Review status: criteria provided, single submitter. Criteria: ACMG Guidelines, 2015. Collection method: clinical testing. Allele origin: germline.

Literature cited by the submitters: PubMed 17724471 (cited by Labcorp Genetics (formerly Invitae), Labcorp).

NM_000059.4(BRCA2):c.9679C>G (p.Gln3227Glu)

Gene: BRCA2 (BRCA2 DNA repair associated; plus strand). Cytogenetic location: 13q13.1.
Variant type: single nucleotide variant.
Coding change: c.9679C>G on transcript NM_000059.4 (MANE Select); coding-DNA position 9679, C replaced by G.
Protein change: p.Gln3227Glu; replaces glutamine 3227 with glutamic acid.
Molecular consequence: missense variant.
Genome position (GRCh38, 1-based): chr13:32,398,192, C>G. VCF-style: chr13-32398192-C-G. GRCh37 (hg19) VCF-style: chr13-32972329-C-G.
Other names: short protein forms Q3227E.
Identifiers: ClinVar variation 630879 (VCV000630879.11), dbSNP rs1408001886, ClinGen allele CA387765238.